The following is an entry in ClinVar:

NM_006580.4(CLDN16):c.436C>T (p.Arg146Cys)

Gene: CLDN16 (claudin 16; plus strand). Cytogenetic location: 3q28.
Variant type: single nucleotide variant.
Coding change: c.436C>T on transcript NM_006580.4 (MANE Select); coding-DNA position 436, C replaced by T.
Protein change: p.Arg146Cys; replaces arginine 146 with cysteine.
Molecular consequence: missense variant.
Genome position (GRCh38, 1-based): chr3:190,408,367, C>T. VCF-style: chr3-190408367-C-T. GRCh37 (hg19) VCF-style: chr3-190126156-C-T.
Other names: c.436C>T, p.Arg146Cys (NM_001378492.1, NM_001378493.1); short protein forms R146C.
Identifiers: ClinVar variation 3362772 (VCV003362772.4).

ClinVar aggregate classification (germline): Pathogenic/Likely pathogenic. Review status: criteria provided, multiple submitters, no conflicts (2 of 4 stars). 4 submissions from 4 submitters: Pathogenic (2); Likely pathogenic (2). Last evaluated 2025-05-01.

Conditions:
CLDN16-related disorder. Also called: CLDN16-related condition.
Primary hypomagnesemia (HOMG3). Also called: HYPOMAGNESEMIA 3, RENAL; HYPOMAGNESEMIA, FAMILIAL, WITH HYPERCALCIURIA AND NEPHROCALCINOSIS; HYPOMAGNESEMIA, ISOLATED RENAL; HYPOMAGNESEMIA, PRIMARY, DUE TO DEFECT IN RENAL TUBULAR TRANSPORT OF MAGNESIUM. Identifiers: Orphanet 31043, MedGen C0268448, MONDO:0009550, OMIM 248250.

gnomAD v4.1: 9 of 1,614,060 alleles (0.00056%); highest among the groups gnomAD compares: Admixed American, 0.005%; no homozygotes.

Submissions (4):

Rare Kidney Stone Consortium and the Mayo Clinic Hyperoxaluria Center, Mayo Clinic
Classification: Pathogenic for Primary hypomagnesemia. Last evaluated: 2025-05-01. Review status: criteria provided, single submitter. Criteria: ACMG Guidelines, 2015. Collection method: research. Allele origin: germline. Affected: yes.
Comment: ACMG: PS1, PM2, PM3,PP2, PP3, PP4

homozygote

Genomic Medicine Center of Excellence, King Faisal Specialist Hospital and Research Centre
Classification: Likely pathogenic for Primary hypomagnesemia. Last evaluated: 2024-09-22. Review status: criteria provided, single submitter. Criteria: ACMG Guidelines, 2015. Collection method: clinical testing. Allele origin: germline.

Blueprint Genetics
Classification: Pathogenic for CLDN16-related disorders. Last evaluated: 2024-08-07. Review status: criteria provided, single submitter. Criteria: ACMG Guidelines, 2015. Collection method: clinical testing. Allele origin: germline. Affected: yes. Observed: 4 variant alleles.

Department of Pediatric Nephrology, Wuhan Children's Hospital
Classification: Likely pathogenic for Primary hypomagnesemia. Last evaluated: 2023-08-10. Review status: criteria provided, single submitter. Criteria: ACMG Guidelines, 2015. Collection method: clinical testing. Allele origin: germline. Inheritance: Autosomal recessive inheritance. Affected: yes. Observed: 1 compound heterozygote.
Comment: The other mutation is c.158delA. Specially, the c.436C>T variant, located in the second extracellular loop of claudin-16, substitutes arginine with cysteine. It has been reported in two British families diagnosed with FHHNC(PubMed: 31479589, PubMed: 18003771). Functional expression analysis confirmed this variant results in complete loss of function of the protein (PubMed: 22422540)；

Literature cited by the submitters: PubMed 37144129 (cited by Rare Kidney Stone Consortium and the Mayo Clinic Hyperoxaluria Center, Mayo Clinic); PubMed 34805638 (cited by Rare Kidney Stone Consortium and the Mayo Clinic Hyperoxaluria Center, Mayo Clinic); PubMed 18003771 (cited by Rare Kidney Stone Consortium and the Mayo Clinic Hyperoxaluria Center, Mayo Clinic and Department of Pediatric Nephrology, Wuhan Children's Hospital); PubMed 18816383 (cited by Rare Kidney Stone Consortium and the Mayo Clinic Hyperoxaluria Center, Mayo Clinic); PubMed 14586675 (cited by Rare Kidney Stone Consortium and the Mayo Clinic Hyperoxaluria Center, Mayo Clinic); PubMed 31479589 (cited by Department of Pediatric Nephrology, Wuhan Children's Hospital); PubMed 22422540 (cited by Department of Pediatric Nephrology, Wuhan Children's Hospital).